The following is an entry in ClinVar:

ClinVar aggregate classification (germline): Pathogenic (1 of 4 stars; one submission).

Conditions:
Cernunnos-XLF deficiency (IMD124). Also called: SCID, AUTOSOMAL RECESSIVE, T CELL-NEGATIVE, B CELL-NEGATIVE, NK CELL-POSITIVE, WITH MICROCEPHALY, GROWTH RETARDATION, AND SENSITIVITY TO IONIZING RADIATION; NHEJ1 SYNDROME; Severe combined immunodeficiency with sensitivity to ionizing radiation due to NHEJ1 deficiency; SCID, autosomal recessive, T cell-negative, B cell-negative, NK cell-positive, and sensitivity to ionizing radiation due to NHEJ1 deficiency; IMMUNODEFICIENCY 124, SEVERE COMBINED. Identifiers: Orphanet 169079, MedGen C1969799, MONDO:0012650, OMIM 611291.

Allele frequency attached by ClinVar (database versions not stated): gnomAD exomes below 0.00001; ExAC 0.00001.

Submission:

Labcorp Genetics (formerly Invitae), Labcorp
Classification: Pathogenic for Cernunnos-XLF deficiency. Last evaluated: 2022-04-12. Review status: criteria provided, single submitter. Criteria: Invitae Variant Classification Sherloc (09022015). Collection method: clinical testing. Allele origin: germline.
Comment: This sequence change creates a premature translational stop signal (p.Val27Glnfs*22) in the NHEJ1 gene. It is expected to result in an absent or disrupted protein product. Loss-of-function variants in NHEJ1 are known to be pathogenic (PMID: 16439204, 20597108). This variant is present in population databases (rs777740338, gnomAD 0.007%). This variant has not been reported in the literature in individuals affected with NHEJ1-related conditions. For these reasons, this variant has been classified as Pathogenic.

Literature cited by the submitters: PubMed 16439204; PubMed 20597108.

NM_024782.3(NHEJ1):c.75_78dup (p.Val27fs)

Gene: NHEJ1 (non-homologous end joining factor 1; minus strand). Cytogenetic location: 2q35.
Variant type: Duplication.
Coding change: c.75_78dup on transcript NM_024782.3 (MANE Select); coding-DNA positions 75 to 78, 4 bases duplicated (CAAG; older notation c.75_78dupCAAG).
Protein change: p.Val27fs; shifts the reading frame from valine 27.
Molecular consequence: frameshift variant. On other transcripts: non-coding transcript variant (1).
Genome position (GRCh38, 1-based): chr2:219,158,285-219,158,288, CTTG duplicated on the plus strand (CAAG on the coding strand, the reverse complement: NHEJ1 is on the minus strand). VCF-style (leftmost placement, unchanged base first): chr2-219158284-C-CCTTG. GRCh37 (hg19) VCF-style: chr2-220023006-C-CCTTG.
Other names: c.75_78dup, p.Val27fs (NM_001377498.1, NM_001377499.1); short protein forms V27fs.
Identifiers: ClinVar variation 2122980 (VCV002122980.1), dbSNP rs777740338, ClinGen allele CA2117100.